The following is an entry in ClinVar:

ClinVar aggregate classification (germline): Uncertain significance. Review status: criteria provided, multiple submitters, no conflicts (2 of 4 stars). 4 submissions from 4 submitters: Uncertain significance (4). Last evaluated 2024-06-17.

Conditions:
Cardiac arrhythmia. Also called: Arrhythmia; Cardiac rhythm disease. Identifiers: MedGen C0003811, MONDO:0007263, HP:0011675.
Long QT syndrome (LQTS). Identifiers: MedGen C0023976, MeSH D008133, MONDO:0002442. Disease mechanism: loss of function. Inheritance: Various modes of inheritance.

Allele frequency attached by ClinVar (database versions not stated): gnomAD exomes below 0.00001; TOPMed below 0.00001; gnomAD 0.00001.
gnomAD v4.1: 5 of 1,612,780 alleles (0.00031%); highest among the groups gnomAD compares: Non-Finnish European, 0.00034%; no homozygotes.

Submissions (4):

All of Us Research Program, National Institutes of Health
Classification: Uncertain significance for Long QT syndrome. Last evaluated: 2024-06-17. Review status: criteria provided, single submitter. Criteria: ACMG Guidelines, 2015. Collection method: clinical testing. Allele origin: germline. Inheritance: Autosomal dominant inheritance. Observed: 2 variant alleles, 2 heterozygotes.
Comment: This missense variant replaces arginine with cysteine at codon 734 of the KCNH2 protein. Computational prediction suggests that this variant may have deleterious impact on protein structure and function (internally defined REVEL score threshold >= 0.7, PMID: 27666373). Splice site prediction tools suggest that this variant may not impact RNA splicing. To our knowledge, functional studies have not been performed for this variant. This variant has not been reported in individuals affected with cardiovascular disorders in the literature. This variant has been identified in 2/280272 chromosomes in the general population by the Genome Aggregation Database (gnomAD). The available evidence is insufficient to determine the role of this variant in disease conclusively. Therefore, this variant is classified as a Variant of Uncertain Significance.

This study involves interpretation of variants in research participants for the purpose of population health screening. Participant phenotype was not available at the time of variant classification. Additional details can be found in publication PMID: 35346344, PMCID: PMC8962531

Color Diagnostics, LLC DBA Color Health
Classification: Uncertain significance for Cardiac arrhythmia. Last evaluated: 2024-03-06. Review status: criteria provided, single submitter. Criteria: ACMG Guidelines, 2015. Collection method: clinical testing. Allele origin: germline.
Comment: This missense variant replaces arginine with cysteine at codon 734 of the KCNH2 protein. Computational prediction suggests that this variant may have deleterious impact on protein structure and function (internally defined REVEL score threshold >= 0.7, PMID: 27666373). To our knowledge, functional studies have not been reported for this variant. This variant has not been reported in individuals affected with KCNH2-related disorders in the literature. This variant has been identified in 2/280272 chromosomes in the general population by the Genome Aggregation Database (gnomAD). The available evidence is insufficient to determine the role of this variant in disease conclusively. Therefore, this variant is classified as a Variant of Uncertain Significance.

Labcorp Genetics (formerly Invitae), Labcorp
Classification: Uncertain significance for Long QT syndrome. Last evaluated: 2023-06-05. Review status: criteria provided, single submitter. Criteria: Invitae Variant Classification Sherloc (09022015). Collection method: clinical testing. Allele origin: germline.
Comment: This missense change has been observed in individual(s) with atrial fibrillation (PMID: 34495297). This variant is present in population databases (rs143072395, gnomAD 0.002%). This sequence change replaces arginine, which is basic and polar, with cysteine, which is neutral and slightly polar, at codon 734 of the KCNH2 protein (p.Arg734Cys). In summary, the available evidence is currently insufficient to determine the role of this variant in disease. Therefore, it has been classified as a Variant of Uncertain Significance. An algorithm developed to predict the effect of missense changes on protein structure and function (PolyPhen-2) suggests that this variant is likely to be disruptive. ClinVar contains an entry for this variant (Variation ID: 200765).

GeneDx
Classification: Uncertain significance. Last evaluated: 2021-05-21. Review status: criteria provided, single submitter. Criteria: GeneDx Variant Classification Process June 2021. Collection method: clinical testing. Allele origin: germline. Affected: yes.
Comment: Not observed at a significant frequency in large population cohorts (Lek et al., 2016); In silico analysis supports that this missense variant has a deleterious effect on protein structure/function; Has not been previously published as pathogenic or benign to our knowledge

Literature cited by the submitters: PubMed 34495297 (cited by Labcorp Genetics (formerly Invitae), Labcorp).

NM_000238.4(KCNH2):c.2200C>T (p.Arg734Cys)

Gene: KCNH2 (potassium voltage-gated channel subfamily H member 2; minus strand). Cytogenetic location: 7q36.1.
Variant type: single nucleotide variant.
Coding change: c.2200C>T on transcript NM_000238.4 (MANE Select); coding-DNA position 2200, C replaced by T.
Protein change: p.Arg734Cys; replaces arginine 734 with cysteine.
Molecular consequence: missense variant.
Genome position (GRCh38, 1-based): chr7:150,950,366, G>A on the plus strand (C>T on the coding strand, the complement: KCNH2 is on the minus strand). VCF-style: chr7-150950366-G-A. GRCh37 (hg19) VCF-style: chr7-150647454-G-A.
Other names: p.R734C:CGC>TGC; c.1180C>T, p.Arg394Cys (NM_001204798.2, NM_172057.3); c.1912C>T, p.Arg638Cys (NM_001406753.1, NM_001406756.1); c.2023C>T, p.Arg675Cys (NM_001406755.1); c.1900C>T, p.Arg634Cys (NM_001406757.1); c.2200C>T, p.Arg734Cys (NM_172056.3); short protein forms R394C, R734C, R634C, R675C, R638C.
Identifiers: ClinVar variation 200765 (VCV000200765.20), dbSNP rs143072395, ClinGen allele CA006340.